The following is an entry in ClinVar:

ClinVar aggregate classification (germline): Uncertain significance (1 of 4 stars; one submission).

Conditions:
Hereditary cancer-predisposing syndrome. Also called: Hereditary Cancer Syndrome; Tumor predisposition; Hereditary neoplastic syndrome; Neoplastic Syndromes, Hereditary. Identifiers: Orphanet 140162, MedGen C0027672, MeSH D009386, MONDO:0015356.
Cardiovascular phenotype. Identifiers: MedGen CN230736.

Submission:

Ambry Genetics
Classification: Uncertain significance for Cardiovascular phenotype; Hereditary cancer-predisposing syndrome. Last evaluated: 2024-07-29. Review status: criteria provided, single submitter. Criteria: Ambry Variant Classification Scheme 2023. Collection method: clinical testing. Allele origin: germline.
Comment: The c.4378_4386delGATATAGCA variant (also known as p.D1460_A1462del) is located in coding exon 33 of the NF1 gene. This variant results from an in-frame GATATAGCA deletion at nucleotide positions 4378 to 4386. This results in the in-frame deletion of 3 amino acids (DIA) at codons 1460 to 1462. These amino acid positions are highly conserved in available vertebrate species. In addition, this alteration is predicted to be deleterious by in silico analysis (Choi Y et al. PLoS ONE. 2012; 7(10):e46688). Based on the available evidence, the clinical significance of this variant remains unclear.

NM_001042492.3(NF1):c.4441_4449del (p.Asp1481_Ala1483del)

Gene: NF1 (neurofibromin 1; plus strand). Cytogenetic location: 17q11.2.
Variant type: Deletion.
Coding change: c.4441_4449del on transcript NM_001042492.3 (MANE Select); coding-DNA positions 4441 to 4449, 9 bases deleted (GATATAGCA; older notation c.4441_4449delGATATAGCA).
Protein change: p.Asp1481_Ala1483del.
Molecular consequence: inframe deletion. On other transcripts: inframe indel (1).
Genome position (GRCh38, 1-based): chr17:31,260,379-31,260,387, GATATAGCA deleted. VCF-style (leftmost placement, unchanged base first): chr17-31260378-TGATATAGCA-T. GRCh37 (hg19) VCF-style: chr17-29587396-TGATATAGCA-T.
Other names: c.4378_4386delGATATAGCA, p.Asp1460_Ala1462del (NM_000267.4); c.4378_4386delGATATAGCA (NM_000267.3).
Identifiers: ClinVar variation 3404663 (VCV003404663.1).
Genomic context (GRCh38, chr17:31,260,378, plus strand): 5'-AGTCTGGGTGTATCTGGTGTTGAAAATTCTAATGACTTTGCATTTTTGAAGGTTTTTCCT[TGATATAGCA>T]TCTGATTGTCCTACAAGTGATGCAGTAAATCATAGTCTTTCCTTCATAAGTGACGGCAAT-3'